The following is an entry in ClinVar:

NM_001256715.2(DNAAF3):c.789C>T (p.Tyr263=)

Genes: DNAAF3 (dynein axonemal assembly factor 3; minus strand), DNAAF3-AS1 (DNAAF3 antisense RNA 1; plus strand). Cytogenetic location: 19q13.42.
Variant type: single nucleotide variant.
Coding change: c.789C>T on transcript NM_001256715.2 (MANE Select); coding-DNA position 789, C replaced by T.
Protein change: p.Tyr263=; no amino-acid change (tyrosine 263 retained).
Molecular consequence: synonymous variant.
Genome position (GRCh38, 1-based): chr19:55,161,293, G>A on the plus strand (C>T on the coding strand, the complement: DNAAF3 is on the minus strand). VCF-style: chr19-55161293-G-A. GRCh37 (hg19) VCF-style: chr19-55672661-G-A.
Other names: c.993C>T, p.Tyr331= (NM_001256714.1); c.627C>T, p.Tyr209= (NM_001256716.2); c.930C>T, p.Tyr310= (NM_178837.4).
Identifiers: ClinVar variation 2081432 (VCV002081432.3), dbSNP rs776072944, ClinGen allele CA9668069.

ClinVar aggregate classification (germline): Uncertain significance (1 of 4 stars; one submission).

Conditions:
Primary ciliary dyskinesia. Also called: Ciliary dyskinesia. Identifiers: Orphanet 244, MedGen C0008780, MONDO:0016575, HP:0012265.

Allele frequency attached by ClinVar (database versions not stated): gnomAD 0.00001; TOPMed 0.00001; gnomAD exomes 0.00003; ExAC 0.00007.
gnomAD v4.1: 46 of 1,609,322 alleles (0.0029%); highest among the groups gnomAD compares: South Asian, 0.046%; 1 homozygote.

Submission:

Labcorp Genetics (formerly Invitae), Labcorp
Classification: Uncertain significance for Primary ciliary dyskinesia. Last evaluated: 2024-03-11. Review status: criteria provided, single submitter. Criteria: Invitae Variant Classification Sherloc (09022015). Collection method: clinical testing. Allele origin: germline.
Comment: This sequence change affects codon 331 of the DNAAF3 mRNA. It is a 'silent' change, meaning that it does not change the encoded amino acid sequence of the DNAAF3 protein. It affects a nucleotide within the consensus splice site. This variant is present in population databases (rs776072944, gnomAD 0.05%), including at least one homozygous and/or hemizygous individual. This variant has not been reported in the literature in individuals affected with DNAAF3-related conditions. ClinVar contains an entry for this variant (Variation ID: 2081432). Algorithms developed to predict the effect of sequence changes on RNA splicing suggest that this variant is not likely to affect RNA splicing. In summary, the available evidence is currently insufficient to determine the role of this variant in disease. Therefore, it has been classified as a Variant of Uncertain Significance.